The following is an entry in ClinVar:

ClinVar aggregate classification (germline): Uncertain significance. Review status: criteria provided, multiple submitters, no conflicts (2 of 4 stars). 2 submissions from 2 submitters: Uncertain significance (2). Last evaluated 2023-04-06.

Conditions:
Inborn genetic diseases. Identifiers: MedGen C0950123, MeSH D030342.
Developmental and epileptic encephalopathy 94 (DEE94). Also called: Epileptic encephalopathy, childhood-onset; CHD2-Related Neurodevelopmental Disorders. Identifiers: Orphanet 1942, Orphanet 2382, MedGen C3809278, MONDO:0014150, OMIM 615369.

Allele frequency attached by ClinVar (database versions not stated): TOPMed below 0.00001; ESP Exome Variant Server 0.00008.
gnomAD v4.1: 2 of 1,614,066 alleles (0.00012%); highest among the groups gnomAD compares: Non-Finnish European, 0.00017%; no homozygotes.

Submissions (2):

Labcorp Genetics (formerly Invitae), Labcorp
Classification: Uncertain significance for Developmental and epileptic encephalopathy 94. Last evaluated: 2023-04-06. Review status: criteria provided, single submitter. Criteria: Invitae Variant Classification Sherloc (09022015). Collection method: clinical testing. Allele origin: germline.
Comment: This sequence change replaces serine, which is neutral and polar, with proline, which is neutral and non-polar, at codon 315 of the CHD2 protein (p.Ser315Pro). This variant is not present in population databases (gnomAD no frequency). This variant has not been reported in the literature in individuals affected with CHD2-related conditions. ClinVar contains an entry for this variant (Variation ID: 1057270). Advanced modeling of protein sequence and biophysical properties (such as structural, functional, and spatial information, amino acid conservation, physicochemical variation, residue mobility, and thermodynamic stability) performed at Invitae indicates that this missense variant is not expected to disrupt CHD2 protein function. Algorithms developed to predict the effect of sequence changes on RNA splicing suggest that this variant may disrupt the consensus splice site. In summary, the available evidence is currently insufficient to determine the role of this variant in disease. Therefore, it has been classified as a Variant of Uncertain Significance.

Ambry Genetics
Classification: Uncertain significance for Inborn genetic diseases. Last evaluated: 2019-05-17. Review status: criteria provided, single submitter. Criteria: Ambry Variant Classification Scheme 2023. Collection method: clinical testing. Allele origin: germline.
Comment: The p.S315P variant (also known as c.943T>C), located in coding exon 8 of the CHD2 gene, results from a T to C substitution at nucleotide position 943. The serine at codon 315 is replaced by proline, an amino acid with similar properties. This amino acid position is highly conserved in available vertebrate species. In addition, this alteration is predicted to be deleterious by in silico analysis. Since supporting evidence is limited at this time, the clinical significance of this alteration remains unclear.

NM_001271.4(CHD2):c.943T>C (p.Ser315Pro)

Gene: CHD2 (chromodomain helicase DNA binding protein 2; plus strand). Cytogenetic location: 15q26.1.
Variant type: single nucleotide variant.
Coding change: c.943T>C on transcript NM_001271.4 (MANE Select); coding-DNA position 943, T replaced by C.
Protein change: p.Ser315Pro; replaces serine 315 with proline.
Molecular consequence: missense variant.
Genome position (GRCh38, 1-based): chr15:92,942,959, T>C. VCF-style: chr15-92942959-T-C. GRCh37 (hg19) VCF-style: chr15-93486189-T-C.
Other names: c.943T>C, p.Ser315Pro (NM_001042572.3); short protein forms S315P.
Identifiers: ClinVar variation 1057270 (VCV001057270.11), dbSNP rs138279266, ClinGen allele CA274871707.